The following is an entry in ClinVar:

NM_006129.5(BMP1):c.1750_1751del (p.Lys584fs)

Genes: BMP1 (bone morphogenetic protein 1; plus strand), LOC113788269 (BRD4-independent group 4 enhancer GRCh37_chr8:22052064-22053263; plus strand). Cytogenetic location: 8p21.3.
Variant type: Deletion.
Coding change: c.1750_1751del on transcript NM_006129.5 (MANE Select); coding-DNA positions 1750 to 1751, 2 bases deleted (AA; older notation c.1750_1751delAA).
Protein change: p.Lys584fs; shifts the reading frame from lysine 584.
Molecular consequence: frameshift variant. On other transcripts: non-coding transcript variant (2).
Genome position (GRCh38, 1-based): chr8:22,195,572-22,195,573, AA deleted. VCF-style (leftmost placement, unchanged base first): chr8-22195571-CAA-C. GRCh37 (hg19) VCF-style: chr8-22053084-CAA-C.
Other names: c.1750_1751delAA (NM_006129.5); c.1750_1751del, p.Lys584fs (NM_001199.4); short protein forms K584fs.
Identifiers: ClinVar variation 4847560 (VCV004847560.1).

ClinVar aggregate classification (germline): Pathogenic (1 of 4 stars; one submission).

Conditions:
Osteogenesis imperfecta (OI). Identifiers: Orphanet 666, MedGen C0029434, MeSH D010013, MONDO:0019019.

Submission:

Women's Health and Genetics/Laboratory Corporation of America, LabCorp
Classification: Pathogenic for Osteogenesis imperfecta. Last evaluated: 2026-03-02. Review status: criteria provided, single submitter. Criteria: LabCorp Variant Classification Summary - May 2015. Collection method: clinical testing. Allele origin: germline.
Comment: Variant summary: BMP1 c.1750_1751delAA (p.Lys584AlafsX4) results in a premature termination codon, predicted to cause a truncation of the encoded protein or absence of the protein due to nonsense mediated decay, which are commonly known mechanisms for disease. Loss of function variants in this gene are known to be pathogenic. The variant was absent in 247556 control chromosomes. To our knowledge, no occurrence of c.1750_1751delAA in individuals affected with BMP1-related conditions and no experimental evidence demonstrating its impact on protein function have been reported. No submitters have cited clinical-significance assessments for this variant to ClinVar. Based on the evidence outlined above, the variant was classified as pathogenic.